The following is an entry in ClinVar:

ClinVar aggregate classification (germline): Uncertain significance (1 of 4 stars; one submission).

Conditions:
Retinoblastoma (RB1). Also called: RETINOBLASTOMA, SOMATIC. Identifiers: Orphanet 790, MedGen C0035335, MeSH D012175, MONDO:0008380, OMIM 180200, HP:0009919. Disease mechanism: loss of function. Inheritance: Both sporadic and heritable forms are tested..

gnomAD v4.1: 1 of 1,612,882 alleles (0.000062%); highest among the groups gnomAD compares: Non-Finnish European, 0.000085%; no homozygotes.

Submission:

Labcorp Genetics (formerly Invitae), Labcorp
Classification: Uncertain significance for Retinoblastoma. Last evaluated: 2025-09-03. Review status: criteria provided, single submitter. Criteria: Invitae Variant Classification Sherloc (09022015). Collection method: clinical testing. Allele origin: germline.
Comment: This sequence change replaces aspartic acid, which is acidic and polar, with asparagine, which is neutral and polar, at codon 578 of the RB1 protein (p.Asp578Asn). This variant is not present in population databases (gnomAD no frequency). This variant has not been reported in the literature in individuals affected with RB1-related conditions. Invitae Evidence Modeling of protein sequence and biophysical properties (such as structural, functional, and spatial information, amino acid conservation, physicochemical variation, residue mobility, and thermodynamic stability) indicates that this missense variant is not expected to disrupt RB1 protein function with a negative predictive value of 80%. In summary, the available evidence is currently insufficient to determine the role of this variant in disease. Therefore, it has been classified as a Variant of Uncertain Significance.

NM_000321.3(RB1):c.1732G>A (p.Asp578Asn)

Gene: RB1 (RB transcriptional corepressor 1; plus strand). Cytogenetic location: 13q14.2.
Variant type: single nucleotide variant.
Coding change: c.1732G>A on transcript NM_000321.3 (MANE Select); coding-DNA position 1732, G replaced by A.
Protein change: p.Asp578Asn; replaces aspartic acid 578 with asparagine.
Molecular consequence: missense variant.
Genome position (GRCh38, 1-based): chr13:48,453,029, G>A. VCF-style: chr13-48453029-G-A. GRCh37 (hg19) VCF-style: chr13-49027165-G-A.
Other names: c.1732G>A, p.Asp578Asn (NM_001407165.1); short protein forms D578N.
Identifiers: ClinVar variation 4810784 (VCV004810784.1).